The following is an entry in ClinVar:

NM_144773.4(PROKR2):c.743G>A (p.Arg248Gln)

Gene: PROKR2 (prokineticin receptor 2; minus strand). Cytogenetic location: 20p12.3.
Variant type: single nucleotide variant.
Coding change: c.743G>A on transcript NM_144773.4 (MANE Select); coding-DNA position 743, G replaced by A.
Protein change: p.Arg248Gln; replaces arginine 248 with glutamine.
Molecular consequence: missense variant.
Genome position (GRCh38, 1-based): chr20:5,302,452, C>T on the plus strand (G>A on the coding strand, the complement: PROKR2 is on the minus strand). VCF-style: chr20-5302452-C-T. GRCh37 (hg19) VCF-style: chr20-5283098-C-T.
Other names: short protein forms R248Q.
Identifiers: ClinVar variation 156565 (VCV000156565.11), dbSNP rs376142095, ClinGen allele CA170932.

ClinVar aggregate classification (germline): Conflicting classifications of pathogenicity. Review status: criteria provided, conflicting classifications (1 of 4 stars). 4 submissions from 4 submitters: Uncertain significance (2); Benign (1). 1 of the submissions does not count toward it. Last evaluated 2025-10-14.

Conditions:
HYPOGONADOTROPIC HYPOGONADISM 3 WITHOUT ANOSMIA. Identifiers: MedGen C4017072.
Hypogonadotropic hypogonadism 3 with or without anosmia (HH3). Also called: PROKR2-Related GnRH Deficiency (Kallmann Syndrome 3); HYPOGONADOTROPIC HYPOGONADISM 3 WITH ANOSMIA. Identifiers: Orphanet 478, MedGen C3550478, MONDO:0009482, OMIM 244200.

Allele frequency attached by ClinVar (database versions not stated): ExAC 0.00002; gnomAD exomes 0.00002 and 0.00003; ESP Exome Variant Server 0.00008; gnomAD 0.00008 and 0.00009; TOPMed 0.00010.
gnomAD v4.1: 55 of 1,614,164 alleles (0.0034%); highest among the groups gnomAD compares: East Asian, 0.036%; no homozygotes.

Submissions (4):

Labcorp Genetics (formerly Invitae), Labcorp
Classification: Uncertain significance. Last evaluated: 2025-10-14. Review status: criteria provided, single submitter. Criteria: Invitae Variant Classification Sherloc (09022015). Collection method: clinical testing. Allele origin: germline.
Comment: This sequence change replaces arginine, which is basic and polar, with glutamine, which is neutral and polar, at codon 248 of the PROKR2 protein (p.Arg248Gln). This variant is present in population databases (rs376142095, gnomAD 0.03%). This missense change has been observed in individual(s) with PROKR2-related conditions (PMID: 18559922, 25759380). ClinVar contains an entry for this variant (Variation ID: 156565). Invitae Evidence Modeling of protein sequence and biophysical properties (such as structural, functional, and spatial information, amino acid conservation, physicochemical variation, residue mobility, and thermodynamic stability) indicates that this missense variant is not expected to disrupt PROKR2 protein function with a negative predictive value of 80%. Experimental studies have shown that this missense change does not substantially affect PROKR2 function (PMID: 29161432). In summary, the available evidence is currently insufficient to determine the role of this variant in disease. Therefore, it has been classified as a Variant of Uncertain Significance.

Fulgent Genetics
Classification: Uncertain significance for Hypogonadotropic hypogonadism 3 with or without anosmia. Last evaluated: 2024-03-28. Review status: criteria provided, single submitter. Criteria: ACMG Guidelines, 2015. Collection method: clinical testing. Allele origin: germline.

Illumina Laboratory Services, Illumina
Classification: Benign for Hypogonadotropic hypogonadism 3 with or without anosmia. Last evaluated: 2017-07-26. Review status: criteria provided, single submitter. Criteria: ICSL Variant Classification Criteria 13 December 2019. Collection method: clinical testing. Allele origin: germline.
Comment: This variant was observed as part of a predisposition screen in an ostensibly healthy population. A literature search was performed for the gene, cDNA change, and amino acid change (where applicable). Publications were found based on this search. The evidence from the literature, in combination with allele frequency data from public databases where available, was sufficient to rule this variant out of causing disease. Therefore, this variant is classified as benign.

OMIM
Classification: Pathogenic for HYPOGONADOTROPIC HYPOGONADISM 3 WITHOUT ANOSMIA. Last evaluated: 2008-09-01. Review status: no assertion criteria provided. Collection method: literature only. Allele origin: germline. Not counted in ClinVar's aggregate classification.

Literature cited by the submitters: PubMed 18559922 (cited by 3 submitters); PubMed 25759380 (cited by Labcorp Genetics (formerly Invitae), Labcorp and Illumina Laboratory Services, Illumina); PubMed 29161432 (cited by Labcorp Genetics (formerly Invitae), Labcorp); PubMed 25678757 (cited by Illumina Laboratory Services, Illumina); PubMed 23596439 (cited by Illumina Laboratory Services, Illumina).